The following is an entry in ClinVar:

ClinVar aggregate classification (germline): Uncertain significance (1 of 4 stars; one submission).

Submission:

GeneDx
Classification: Uncertain significance. Last evaluated: 2019-02-18. Review status: criteria provided, single submitter. Criteria: GeneDx Variant Classification Process June 2021. Collection method: clinical testing. Allele origin: germline. Affected: yes.
Comment: Not observed in large population cohorts (Lek et al., 2016); In silico analysis, which includes protein predictors and evolutionary conservation, supports a deleterious effect; Has not been previously published as pathogenic or benign to our knowledge

NM_001042492.3(NF1):c.3773G>T (p.Trp1258Leu)

Gene: NF1 (neurofibromin 1; plus strand). Cytogenetic location: 17q11.2.
Variant type: single nucleotide variant.
Coding change: c.3773G>T on transcript NM_001042492.3 (MANE Select); coding-DNA position 3773, G replaced by T.
Protein change: p.Trp1258Leu; replaces tryptophan 1258 with leucine.
Molecular consequence: missense variant.
Genome position (GRCh38, 1-based): chr17:31,235,675, G>T. VCF-style: chr17-31235675-G-T. GRCh37 (hg19) VCF-style: chr17-29562693-G-T.
Other names: c.3773G>T, p.Trp1258Leu (NM_000267.4); short protein forms W1258L.
Identifiers: ClinVar variation 1318997 (VCV001318997.2), dbSNP rs1555615458, ClinGen allele CA398992545.